The following is an entry in ClinVar:

NM_001378687.1(ATP2C1):c.675T>G (p.Cys225Trp)

Gene: ATP2C1 (ATPase secretory pathway Ca2+ transporting 1; plus strand). Cytogenetic location: 3q22.1.
Variant type: single nucleotide variant.
Coding change: c.675T>G on transcript NM_001378687.1 (MANE Select); coding-DNA position 675, T replaced by G.
Protein change: p.Cys225Trp; replaces cysteine 225 with tryptophan.
Molecular consequence: missense variant.
Genome position (GRCh38, 1-based): chr3:130,953,964, T>G. VCF-style: chr3-130953964-T-G. GRCh37 (hg19) VCF-style: chr3-130672808-T-G.
Other names: c.675T>G, p.Cys225Trp (NM_001001485.3, NM_001378512.1, NM_001378513.1 and 5 more transcripts); c.627T>G, p.Cys209Trp (NM_001378514.1, NM_001199183.2, NM_001199184.3); c.777T>G, p.Cys259Trp (NM_001199180.2, NM_001199181.3, NM_001378511.1); c.660T>G, p.Cys220Trp (NM_001199182.2); short protein forms C209W, C220W, C225W, C259W.
Identifiers: ClinVar variation 4778374 (VCV004778374.1).

ClinVar aggregate classification (germline): Uncertain significance (1 of 4 stars; one submission).

gnomAD v4.1: 1 of 1,614,040 alleles (0.000062%); highest among the groups gnomAD compares: Admixed American, 0.0017%; no homozygotes.

Submission:

Labcorp Genetics (formerly Invitae), Labcorp
Classification: Uncertain significance. Last evaluated: 2025-12-16. Review status: criteria provided, single submitter. Criteria: Invitae Variant Classification Sherloc (09022015). Collection method: clinical testing. Allele origin: germline.
Comment: This sequence change replaces cysteine, which is neutral and slightly polar, with tryptophan, which is neutral and slightly polar, at codon 225 of the ATP2C1 protein (p.Cys225Trp). This variant is present in population databases (no rsID available, gnomAD 0.003%). This variant has not been reported in the literature in individuals affected with ATP2C1-related conditions. Invitae Evidence Modeling of protein sequence and biophysical properties (such as structural, functional, and spatial information, amino acid conservation, physicochemical variation, residue mobility, and thermodynamic stability) indicates that this missense variant is expected to disrupt ATP2C1 protein function with a positive predictive value of 80%. In summary, the available evidence is currently insufficient to determine the role of this variant in disease. Therefore, it has been classified as a Variant of Uncertain Significance.